The following is an entry in ClinVar:

NM_022489.4(INF2):c.529C>G (p.Arg177Gly)

Gene: INF2 (inverted formin 2; plus strand). Cytogenetic location: 14q32.33.
Variant type: single nucleotide variant.
Coding change: c.529C>G on transcript NM_022489.4 (MANE Select); coding-DNA position 529, C replaced by G.
Protein change: p.Arg177Gly; replaces arginine 177 with glycine.
Molecular consequence: missense variant. On other transcripts: non-coding transcript variant (1).
Genome position (GRCh38, 1-based): chr14:104,703,316, C>G. VCF-style: chr14-104703316-C-G. GRCh37 (hg19) VCF-style: chr14-105169653-C-G.
Other names: c.529C>G, p.Arg177Gly (NM_001031714.4, NM_001426862.1, NM_001426863.1 and 6 more transcripts); short protein forms R177G.
Identifiers: ClinVar variation 4531467 (VCV004531467.2).

ClinVar aggregate classification (germline): Likely pathogenic (1 of 4 stars; one submission).

Conditions:
Focal segmental glomerulosclerosis 5 (FSGS5). Identifiers: Orphanet 656, MedGen C2750475, MONDO:0013191, OMIM 613237.

Submission:

Victorian Clinical Genetics Services, Murdoch Childrens Research Institute
Classification: Likely pathogenic for Focal segmental glomerulosclerosis 5. Last evaluated: 2025-11-27. Review status: criteria provided, single submitter. Criteria: ACMG Guidelines, 2015. Collection method: clinical testing. Allele origin: germline. Affected: yes.
Comment: This variant is classified as Likely pathogenic. Evidence in support of pathogenic classification: Variant is absent from gnomAD (v2, v3 and v4); Other missense variants comparable to the one identified in this case have very strong previous evidence for pathogenicity. The p.(Arg177Cys) variant has been classified as likely pathogenic or pathogenic by clinical laboratories in ClinVar. It has also been reported in the literature in multiple individuals with focal segmental glomerulosclerosis (PMIDs: 26951353, 35683636, 32887937, 31937884). Additionally, the p.(Arg177His) variant has been classified as pathogenic by clinical laboratories in ClinVar and reported in the literature in individuals with focal segmental glomerulosclerosis (PMIDs: 21866090, 21258034); Missense variant predicted to be damaging by in silico tool(s) or highly conserved with a major amino acid change. Additional information: Variant is predicted to result in a missense amino acid change from Arg to Gly; This variant is heterozygous; This gene is associated with autosomal dominant disease; Alternative amino acid change(s) at the same position are present in gnomAD (Highest allele count: v4: 2 heterozygote(s), 0 homozygote(s)). - This variant has no previous evidence of pathogenicity; No published evidence of segregation with disease has been identified for this variant; No published functional evidence has been identified for this variant; Variant is located in the annotated diaphanous FH3 Domain (DECIPHER); The mechanism of disease for this gene is not clearly established. However, both loss of function and gain of function have been suggested (PMID: 32451589); The condition associated with this gene has incomplete penetrance (PMID: 32451589); Inheritance information for this variant is not currently available in this individual.

Literature cited by the submitters: PubMed 32887937; PubMed 32451589; PubMed 26951353; PubMed 21258034; PubMed 35683636; PubMed 21866090; PubMed 31937884.